The following is an entry in ClinVar:

ClinVar aggregate classification (germline): Likely benign (1 of 4 stars; one submission).

Conditions:
SCP2-related disorder. Also called: SCP2-related condition.

Submission:

PreventionGenetics, part of Exact Sciences
Classification: Likely benign for SCP2-related condition. Last evaluated: 2025-10-21. Review status: criteria provided, single submitter. Criteria: ACMG Guidelines, 2015. Collection method: clinical testing. Allele origin: germline.
Comment: This variant is classified as likely benign based on ACMG/AMP sequence variant interpretation guidelines (Richards et al. 2015 PMID: 25741868, with internal and published modifications).

NM_002979.5(SCP2):c.732G>A (p.Lys244=)

Gene: SCP2 (sterol carrier protein 2; plus strand). Cytogenetic location: 1p32.3.
Variant type: single nucleotide variant.
Coding change: c.732G>A on transcript NM_002979.5 (MANE Select); coding-DNA position 732, G replaced by A.
Protein change: p.Lys244=; no amino-acid change (lysine 244 retained).
Molecular consequence: synonymous variant.
Genome position (GRCh38, 1-based): chr1:52,978,274, G>A. VCF-style: chr1-52978274-G-A. GRCh37 (hg19) VCF-style: chr1-53443946-G-A.
Other names: c.600G>A, p.Lys200= (NM_001007098.3, NM_001193600.2); c.660G>A, p.Lys220= (NM_001193599.2); c.489G>A, p.Lys163= (NM_001193617.2); c.732G>A, p.Lys244= (NM_001330587.2).
Identifiers: ClinVar variation 4999188 (VCV004999188.1).